The following is an entry in ClinVar:

ClinVar aggregate classification (germline): Likely benign (1 of 4 stars; one submission).

Allele frequency attached by ClinVar (database versions not stated): ExAC 0.00002.
gnomAD v4.1: 12 of 1,614,076 alleles (0.00074%); highest among the groups gnomAD compares: South Asian, 0.0099%; no homozygotes.

Submission:

GeneDx
Classification: Likely benign. Last evaluated: 2016-06-07. Review status: criteria provided, single submitter. Criteria: GeneDx Variant Classification (06012015). Collection method: clinical testing. Allele origin: germline. Affected: yes.
Comment: This variant is considered likely benign or benign based on one or more of the following criteria: it is a conservative change, it occurs at a poorly conserved position in the protein, it is predicted to be benign by multiple in silico algorithms, and/or has population frequency not consistent with disease.

NM_020117.11(LARS1):c.1953A>G (p.Ala651=)

Gene: LARS1 (leucyl-tRNA synthetase 1; minus strand). Cytogenetic location: 5q32.
Variant type: single nucleotide variant.
Coding change: c.1953A>G on transcript NM_020117.11 (MANE Select); coding-DNA position 1953, A replaced by G.
Protein change: p.Ala651=; no amino-acid change (alanine 651 retained).
Molecular consequence: synonymous variant.
Genome position (GRCh38, 1-based): chr5:146,143,009, T>C on the plus strand (A>G on the coding strand, the complement: LARS1 is on the minus strand). VCF-style: chr5-146143009-T-C. GRCh37 (hg19) VCF-style: chr5-145522572-T-C.
Other names: c.1815A>G, p.Ala605= (NM_001317964.2); c.1791A>G, p.Ala597= (NM_001317965.2); c.1872A>G, p.Ala624= (NM_016460.4).
Identifiers: ClinVar variation 386610 (VCV000386610.1), dbSNP rs756618995, ClinGen allele CA3489456.